The following is an entry in ClinVar:

ClinVar aggregate classification (germline): Pathogenic (1 of 4 stars; one submission).

Conditions:
Nance-Horan syndrome (NHS). Identifiers: Orphanet 627, MedGen C0796085, MONDO:0010545, OMIM 302350.

Submission:

Labcorp Genetics (formerly Invitae), Labcorp
Classification: Pathogenic for Nance-Horan syndrome. Last evaluated: 2020-09-11. Review status: criteria provided, single submitter. Criteria: Invitae Variant Classification Sherloc (09022015). Collection method: clinical testing. Allele origin: germline.
Comment: For these reasons, this variant has been classified as Pathogenic. Loss-of-function variants in NHS are known to be pathogenic (PMID: 14564667, 19414485). This variant has not been reported in the literature in individuals with NHS-related conditions. This variant is not present in population databases (ExAC no frequency). This sequence change creates a premature translational stop signal (p.Gln366*) in the NHS gene. It is expected to result in an absent or disrupted protein product.

Literature cited by the submitters: PubMed 14564667; PubMed 19414485.

NM_001291867.2(NHS):c.1159C>T (p.Gln387Ter)

Gene: NHS (NHS actin remodeling regulator; plus strand). Cytogenetic location: Xp22.13.
Variant type: single nucleotide variant.
Coding change: c.1159C>T on transcript NM_001291867.2 (MANE Select); coding-DNA position 1159, C replaced by T.
Protein change: p.Gln387Ter; replaces glutamine 387 with a stop codon.
Molecular consequence: nonsense.
Genome position (GRCh38, 1-based): chrX:17,724,349, C>T. VCF-style: chrX-17724349-C-T. GRCh37 (hg19) VCF-style: chrX-17742469-C-T.
Other names: c.628C>T, p.Gln210Ter (NM_001136024.4); c.565C>T, p.Gln189Ter (NM_001291868.2); c.1096C>T, p.Gln366Ter (NM_198270.4); short protein forms Q189*, Q210*, Q366*, Q387*.
Identifiers: ClinVar variation 1070979 (VCV001070979.7), dbSNP rs2147140951, ClinGen allele CA412349879.